The following is an entry in ClinVar:

ClinVar aggregate classification (germline): Uncertain significance (1 of 4 stars; one submission).

Conditions:
Inborn genetic diseases. Identifiers: MedGen C0950123, MeSH D030342.

gnomAD v4.1: 1 of 1,614,036 alleles (0.000062%); highest among the groups gnomAD compares: East Asian, 0.0022%; no homozygotes.

Submission:

Ambry Genetics
Classification: Uncertain significance for Inborn genetic diseases. Last evaluated: 2026-03-17. Review status: criteria provided, single submitter. Criteria: Ambry Variant Classification Scheme 2023. Collection method: clinical testing. Allele origin: germline.
Comment: The p.F239Y variant (also known as c.716T>A), located in coding exon 2 of the WT1 gene, results from a T to A substitution at nucleotide position 716. The phenylalanine at codon 239 is replaced by tyrosine, an amino acid with highly similar properties. This amino acid position is highly conserved in available vertebrate species. In addition, the in silico prediction for this alteration is inconclusive. Based on the available evidence, the clinical significance of this variant remains unclear.

NM_024426.6(WT1):c.731T>A (p.Phe244Tyr)

Gene: WT1 (WT1 transcription factor; minus strand). Cytogenetic location: 11p13.
Variant type: single nucleotide variant.
Coding change: c.731T>A on transcript NM_024426.6 (MANE Select); coding-DNA position 731, T replaced by A.
Protein change: p.Phe244Tyr; replaces phenylalanine 244 with tyrosine.
Molecular consequence: missense variant. On other transcripts: non-coding transcript variant (2), intron variant (2), 5 prime UTR variant (1).
Genome position (GRCh38, 1-based): chr11:32,428,550, A>T on the plus strand (T>A on the coding strand, the complement: WT1 is on the minus strand). VCF-style: chr11-32428550-A-T. GRCh37 (hg19) VCF-style: chr11-32450096-A-T.
Other names: c.512T>A, p.Phe171Tyr (NM_001429032.1, NM_001429033.1, NM_001429034.1 and 1 more transcripts); c.731T>A, p.Phe244Tyr (NM_024424.5, NM_001407044.1, NM_001407045.1 and 4 more transcripts); c.662-492T>A (NM_001407050.1, NM_001407047.1); c.80T>A, p.Phe27Tyr (NM_001198551.2, NM_001198552.2); c.-32T>A (NM_001407051.1); short protein forms F171Y, F239Y, F244Y, F27Y.
Identifiers: ClinVar variation 4866782 (VCV004866782.1).